The following is an entry in ClinVar:

ClinVar aggregate classification (germline): Uncertain significance (1 of 4 stars; one submission).

Conditions:
Osteogenesis imperfecta type I (OI1). Also called: Lobstein disease; OI, TYPE I; OSTEOGENESIS IMPERFECTA TARDA; OSTEOGENESIS IMPERFECTA WITH BLUE SCLERAE; Osteogenesis imperfecta type 1; Lobstein's Disease. Identifiers: Orphanet 216796, Orphanet 666, MedGen C0023931, MONDO:0008146, OMIM 166200. Disease mechanism: loss of function.
Ehlers-Danlos syndrome, classic type, 1 (EDSCL1). Also called: EDS I; EHLERS-DANLOS SYNDROME, GRAVIS TYPE; EHLERS-DANLOS SYNDROME, SEVERE CLASSIC TYPE; Ehlers-Danlos syndrome, type 1; Ehlers-Danlos Syndrome, Classic Type, COL5A1-Related. Identifiers: MedGen C0268335, MONDO:0019567, OMIM 130000.

Submission:

Labcorp Genetics (formerly Invitae), Labcorp
Classification: Uncertain significance for Osteogenesis imperfecta type I; Ehlers-Danlos syndrome, classic type, 1. Last evaluated: 2024-01-16. Review status: criteria provided, single submitter. Criteria: Invitae Variant Classification Sherloc (09022015). Collection method: clinical testing. Allele origin: germline.
Comment: This sequence change replaces proline, which is neutral and non-polar, with glutamine, which is neutral and polar, at codon 393 of the COL1A2 protein (p.Pro393Gln). This variant is not present in population databases (gnomAD no frequency). This variant has not been reported in the literature in individuals affected with COL1A2-related conditions. Advanced modeling of protein sequence and biophysical properties (such as structural, functional, and spatial information, amino acid conservation, physicochemical variation, residue mobility, and thermodynamic stability) performed at Invitae indicates that this missense variant is not expected to disrupt COL1A2 protein function with a negative predictive value of 95%. In summary, the available evidence is currently insufficient to determine the role of this variant in disease. Therefore, it has been classified as a Variant of Uncertain Significance.

NM_000089.4(COL1A2):c.1178C>A (p.Pro393Gln)

Gene: COL1A2 (collagen type I alpha 2 chain; plus strand). Cytogenetic location: 7q21.3.
Variant type: single nucleotide variant.
Coding change: c.1178C>A on transcript NM_000089.4 (MANE Select); coding-DNA position 1178, C replaced by A.
Protein change: p.Pro393Gln; replaces proline 393 with glutamine.
Molecular consequence: missense variant.
Genome position (GRCh38, 1-based): chr7:94,410,508, C>A. VCF-style: chr7-94410508-C-A. GRCh37 (hg19) VCF-style: chr7-94039820-C-A.
Other names: short protein forms P393Q.
Identifiers: ClinVar variation 2939084 (VCV002939084.3), dbSNP rs2484709549, ClinGen allele CA368221309.
Genomic context (GRCh38, chr7:94,410,508, plus strand): 5'-GTCCCAGTGGTGAAGAAGGAAAGAGAGGCCCTAATGGGGAAGCTGGATCTGCCGGCCCTC[C>A]AGGACCTCCTGGGCTGAGAGTAGGTTTCAAATGCTCCCAACACCCTAACACACCAGAGGC-3'
Protein context (NP_000080.2, residues 383-403): PNGEAGSAGP[Pro393Gln]GPPGLRGSPG